The following is an entry in ClinVar:

ClinVar aggregate classification (germline): Conflicting classifications of pathogenicity. Review status: criteria provided, conflicting classifications (1 of 4 stars). 11 submissions from 11 submitters: Uncertain significance (5); Likely benign (2). 4 of the submissions do not count toward it. Last evaluated 2026-06-19.

Conditions:
Inborn genetic diseases. Identifiers: MedGen C0950123, MeSH D030342.
Aicardi-Goutieres syndrome 6 (AGS6). Identifiers: Orphanet 51, MedGen C3539013, MONDO:0014007, OMIM 615010.
ADAR-related disorder. Also called: ADAR-related condition; ADAR-related disorders.
Symmetrical dyschromatosis of extremities (DSH). Also called: Dyschromatosis symmetrica hereditaria; DYSCHROMATOSIS SYMMETRICA HEREDITARIA 1; RETICULATE ACROPIGMENTATION OF DOHI; SYMMETRIC DYSCHROMATOSIS OF THE EXTREMITIES. Identifiers: Orphanet 41, MedGen C0406775, MONDO:0007483, OMIM 127400.

Allele frequency attached by ClinVar (database versions not stated): gnomAD exomes 0.00005 and 0.00009; ExAC 0.00007; ESP Exome Variant Server 0.00008; gnomAD 0.00016; TOPMed 0.00019; 1000 Genomes Project 30x 0.00031; 1000 Genomes Project 0.00040.
gnomAD v4.1: 106 of 1,614,228 alleles (0.0066%); highest among the groups gnomAD compares: African/African-American, 0.067%; no homozygotes.

Submissions (11):

Women's Health and Genetics/Laboratory Corporation of America, LabCorp
Classification: Uncertain significance. Last evaluated: 2026-06-19. Review status: criteria provided, single submitter. Criteria: LabCorp Variant Classification Summary - May 2015. Collection method: clinical testing. Allele origin: germline.
Comment: Variant summary: ADAR c.1625A>G (p.Asn542Ser) results in a conservative amino acid change in the encoded protein sequence. Algorithms developed to predict the effect of missense changes on protein structure and function are either unavailable or do not agree on the potential impact of this missense change. The variant allele was found at a frequency of 8.7e-05 in 251448 control chromosomes. This frequency is not significantly higher than estimated for disease-causing variants in ADAR, allowing no conclusion about variant significance. To our knowledge, no occurrence of c.1625A>G in individuals affected with ADAR-related conditions and no experimental evidence demonstrating its impact on protein function have been reported. ClinVar contains an entry for this variant (Variation ID: 641602). Based on the evidence outlined above, the variant was classified as uncertain significance.

Ambry Genetics
Classification: Likely benign for Inborn genetic diseases. Last evaluated: 2025-08-09. Review status: criteria provided, single submitter. Criteria: Ambry Variant Classification Scheme 2023. Collection method: clinical testing. Allele origin: germline.

Labcorp Genetics (formerly Invitae), Labcorp
Classification: Uncertain significance for Aicardi-Goutieres syndrome 6; Symmetrical dyschromatosis of extremities. Last evaluated: 2024-12-09. Review status: criteria provided, single submitter. Criteria: Invitae Variant Classification Sherloc (09022015). Collection method: clinical testing. Allele origin: germline.
Comment: This sequence change replaces asparagine, which is neutral and polar, with serine, which is neutral and polar, at codon 542 of the ADAR protein (p.Asn542Ser). This variant is present in population databases (rs200242235, gnomAD 0.05%). This variant has not been reported in the literature in individuals affected with ADAR-related conditions. ClinVar contains an entry for this variant (Variation ID: 641602). Invitae Evidence Modeling of protein sequence and biophysical properties (such as structural, functional, and spatial information, amino acid conservation, physicochemical variation, residue mobility, and thermodynamic stability) indicates that this missense variant is not expected to disrupt ADAR protein function with a negative predictive value of 80%. In summary, the available evidence is currently insufficient to determine the role of this variant in disease. Therefore, it has been classified as a Variant of Uncertain Significance.

Blueprint Genetics
Classification: Likely benign. Last evaluated: 2024-11-01. Review status: criteria provided, single submitter. Criteria: ACMG Guidelines, 2015. Collection method: clinical testing. Allele origin: germline.

Genome-Nilou Lab
Classification: Uncertain significance for Aicardi-Goutieres syndrome 6. Last evaluated: 2023-04-11. Review status: criteria provided, single submitter. Criteria: ACMG Guidelines, 2015. Collection method: clinical testing. Allele origin: germline. Affected: no.

GeneDx
Classification: Uncertain significance. Last evaluated: 2023-01-04. Review status: criteria provided, single submitter. Criteria: GeneDx Variant Classification Process June 2021. Collection method: clinical testing. Allele origin: germline. Affected: yes.
Comment: In silico analysis supports that this missense variant does not alter protein structure/function; Has not been previously published as pathogenic or benign to our knowledge

Revvity Omics, Revvity
Classification: Uncertain significance. Last evaluated: 2020-11-18. Review status: criteria provided, single submitter. Criteria: ACMG Guidelines, 2015. Collection method: clinical testing. Allele origin: germline.

PreventionGenetics, part of Exact Sciences
Classification: Uncertain significance for ADAR-related condition. Last evaluated: 2023-12-01. Review status: no assertion criteria provided. Collection method: clinical testing. Allele origin: germline. Not counted in ClinVar's aggregate classification.
Comment: The ADAR c.1625A>G variant is predicted to result in the amino acid substitution p.Asn542Ser. To our knowledge, this variant has not been reported in the literature. This variant is reported in 0.048% of alleles in individuals of African descent in gnomAD. At this time, the clinical significance of this variant is uncertain due to the absence of conclusive functional and genetic evidence.

Clinical Genetics DNA and cytogenetics Diagnostics Lab, Erasmus MC, Erasmus Medical Center
Classification: Likely benign. Review status: no assertion criteria provided. Collection method: clinical testing. Allele origin: germline. Affected: yes. Study: VKGL Data-share Consensus. Not counted in ClinVar's aggregate classification.

Diagnostic Laboratory, Department of Genetics, University Medical Center Groningen
Classification: Likely benign. Review status: no assertion criteria provided. Collection method: clinical testing. Allele origin: germline. Affected: yes. Study: VKGL Data-share Consensus. Not counted in ClinVar's aggregate classification.

Laboratory of Diagnostic Genome Analysis, Leiden University Medical Center (LUMC)
Classification: Likely benign. Review status: no assertion criteria provided. Collection method: clinical testing. Allele origin: germline. Affected: yes. Study: VKGL Data-share Consensus. Not counted in ClinVar's aggregate classification.

NM_001111.5(ADAR):c.1625A>G (p.Asn542Ser)

Gene: ADAR (adenosine deaminase RNA specific; minus strand). Cytogenetic location: 1q21.3.
Variant type: single nucleotide variant.
Coding change: c.1625A>G on transcript NM_001111.5 (MANE Select); coding-DNA position 1625, A replaced by G.
Protein change: p.Asn542Ser; replaces asparagine 542 with serine.
Molecular consequence: missense variant.
Genome position (GRCh38, 1-based): chr1:154,598,562, T>C on the plus strand (A>G on the coding strand, the complement: ADAR is on the minus strand). VCF-style: chr1-154598562-T-C. GRCh37 (hg19) VCF-style: chr1-154571038-T-C.
Other names: c.1625A>G, p.Asn542Ser (LRG_1212t1, NM_015840.4, NM_015841.4); c.740A>G, p.Asn247Ser (NM_001025107.3, NM_001193495.2, NM_001365046.1 and 3 more transcripts); c.1652A>G, p.Asn551Ser (NM_001365045.1); short protein forms N542S, N247S, N551S.
Identifiers: ClinVar variation 641602 (VCV000641602.22), dbSNP rs200242235, ClinGen allele CA1131508.